The following is an entry in ClinVar:

NM_020401.4(NUP107):c.1175-13T>A

Gene: NUP107 (nucleoporin 107; plus strand). Cytogenetic location: 12q15.
Variant type: single nucleotide variant.
Coding change: c.1175-13T>A on transcript NM_020401.4 (MANE Select); 13 bases into the intron before coding-DNA position 1175, T replaced by A.
Molecular consequence: intron variant.
Genome position (GRCh38, 1-based): chr12:68,719,565, T>A. VCF-style: chr12-68719565-T-A. GRCh37 (hg19) VCF-style: chr12-69113345-T-A.
Other names: c.1088-13T>A (NM_001330192.2).
Identifiers: ClinVar variation 2098047 (VCV002098047.4), dbSNP rs1271576989, ClinGen allele CA2580086694.

ClinVar aggregate classification (germline): Uncertain significance (1 of 4 stars; one submission).

Submission:

Labcorp Genetics (formerly Invitae), Labcorp
Classification: Uncertain significance. Last evaluated: 2024-06-24. Review status: criteria provided, single submitter. Criteria: Invitae Variant Classification Sherloc (09022015). Collection method: clinical testing. Allele origin: germline.
Comment: This sequence change falls in intron 13 of the NUP107 gene. It does not directly change the encoded amino acid sequence of the NUP107 protein. This variant is not present in population databases (gnomAD no frequency). This variant has not been reported in the literature in individuals affected with NUP107-related conditions. ClinVar contains an entry for this variant (Variation ID: 2098047). Algorithms developed to predict the effect of sequence changes on RNA splicing suggest that this variant may disrupt the consensus splice site. In summary, the available evidence is currently insufficient to determine the role of this variant in disease. Therefore, it has been classified as a Variant of Uncertain Significance.